The following is an entry in ClinVar:

ClinVar aggregate classification (germline): Uncertain significance. Review status: criteria provided, multiple submitters, no conflicts (2 of 4 stars). 3 submissions from 3 submitters: Uncertain significance (3). Last evaluated 2025-10-27.

Conditions:
Gorlin syndrome. Also called: Basal cell nevus syndrome; Nevoid Basal Cell Carcinoma Syndrome. Identifiers: Orphanet 377, MedGen C0004779, MONDO:0007187.
Basal cell carcinoma, susceptibility to, 1. Also called: BCC1. Identifiers: MedGen C2751544, MONDO:0011556, OMIM 605462.
Medulloblastoma (MDB). Also called: MEDULLOBLASTOMA PREDISPOSITION SYNDROME; Medulloblastoma, somatic. Identifiers: Orphanet 616, MedGen C0025149, MeSH D008527, MONDO:0007959, OMIM 155255, HP:0002885.

Allele frequency attached by ClinVar (database versions not stated): gnomAD exomes 0.00001; TOPMed 0.00002.
gnomAD v4.1: 18 of 1,613,938 alleles (0.0011%); highest among the groups gnomAD compares: Middle Eastern, 0.05%; no homozygotes.

Submissions (3):

Labcorp Genetics (formerly Invitae), Labcorp
Classification: Uncertain significance for Gorlin syndrome. Last evaluated: 2025-10-27. Review status: criteria provided, single submitter. Criteria: Invitae Variant Classification Sherloc (09022015). Collection method: clinical testing. Allele origin: germline.
Comment: This sequence change replaces serine, which is neutral and polar, with threonine, which is neutral and polar, at codon 1189 of the PTCH2 protein (p.Ser1189Thr). This variant is present in population databases (no rsID available, gnomAD 0.002%). This variant has not been reported in the literature in individuals affected with PTCH2-related conditions. ClinVar contains an entry for this variant (Variation ID: 580574). An algorithm developed to predict the effect of missense changes on protein structure and function outputs the following: PolyPhen-2: "Benign". The threonine amino acid residue is found in multiple mammalian species, which suggests that this missense change does not adversely affect protein function. In summary, the available evidence is currently insufficient to determine the role of this variant in disease. Therefore, it has been classified as a Variant of Uncertain Significance.

Fulgent Genetics
Classification: Uncertain significance for Medulloblastoma; Basal cell carcinoma, susceptibility to, 1. Last evaluated: 2024-05-08. Review status: criteria provided, single submitter. Criteria: ACMG Guidelines, 2015. Collection method: clinical testing. Allele origin: germline.

Laboratorio de Genetica e Diagnostico Molecular, Hospital Israelita Albert Einstein
Classification: Uncertain significance. Last evaluated: 2021-08-30. Review status: criteria provided, single submitter. Criteria: ACMG Guidelines, 2015. Collection method: clinical testing. Allele origin: germline. Affected: yes.
Comment: ACMG classification criteria: PM2, BP4

NM_003738.5(PTCH2):c.3566G>C (p.Ser1189Thr)

Gene: PTCH2 (patched 2; minus strand). Cytogenetic location: 1p34.1.
Variant type: single nucleotide variant.
Coding change: c.3566G>C on transcript NM_003738.5 (MANE Select); coding-DNA position 3566, G replaced by C.
Protein change: p.Ser1189Thr; replaces serine 1189 with threonine.
Molecular consequence: missense variant. On other transcripts: intron variant (1).
Genome position (GRCh38, 1-based): chr1:44,822,461, C>G on the plus strand (G>C on the coding strand, the complement: PTCH2 is on the minus strand). VCF-style: chr1-44822461-C-G. GRCh37 (hg19) VCF-style: chr1-45288133-C-G.
Other names: c.3425+141G>C (NM_001166292.2); short protein forms S1189T.
Identifiers: ClinVar variation 580574 (VCV000580574.12), dbSNP rs900911841, ClinGen allele CA21804825.
Genomic context (GRCh38, chr1:44,822,461, plus strand): 5'-CTTCAGCTGCTCTTTCACCCAGTGGCTGGACCTGGTCCCCTGGAACTGAGGTTGCCAGAG[C>G]TAGTGGCAGCAGGGGACCAAGGGGGCTCATCAGGGGCTGGATGGATGTAGGCACCAGGCA-3'
Protein context (NP_003729.3, residues 1179-1199): DEPPWSPAAT[Ser1189Thr]SGNLSSRGPG